The following is an entry in ClinVar:

NM_000059.4(BRCA2):c.7509C>G (p.Val2503=)

Gene: BRCA2 (BRCA2 DNA repair associated; plus strand). Cytogenetic location: 13q13.1.
Variant type: single nucleotide variant.
Coding change: c.7509C>G on transcript NM_000059.4 (MANE Select); coding-DNA position 7509, C replaced by G.
Protein change: p.Val2503=; no amino-acid change (valine 2503 retained).
Molecular consequence: synonymous variant.
Genome position (GRCh38, 1-based): chr13:32,356,501, C>G. VCF-style: chr13-32356501-C-G. GRCh37 (hg19) VCF-style: chr13-32930638-C-G.
Identifiers: ClinVar variation 184774 (VCV000184774.25), dbSNP rs766080516, ClinGen allele CA025126.

ClinVar aggregate classification (germline): Likely benign. Review status: reviewed by expert panel (3 of 4 stars). 8 submissions from 8 submitters: Likely benign (1). 7 of the submissions do not count toward it. Last evaluated 2017-06-29.

Conditions:
BRCA2-related cancer predisposition. Identifiers: MedGen CN377758, MONDO:0700269.
Hereditary cancer-predisposing syndrome. Also called: Tumor predisposition; Hereditary Cancer Syndrome; Hereditary neoplastic syndrome; Neoplastic Syndromes, Hereditary. Identifiers: Orphanet 140162, MedGen C0027672, MeSH D009386, MONDO:0015356.
Hereditary breast ovarian cancer syndrome. Also called: Breast and ovarian cancer; Hereditary breast and ovarian cancer syndrome; Hereditary breast and ovarian cancer; BRCA1- and BRCA2-Associated Hereditary Breast and Ovarian Cancer; Hereditary breast and ovarian cancer syndrome (HBOC); Hereditary breast and/or ovarian cancer syndrome. Identifiers: Orphanet 145, MedGen C0677776, MeSH D061325, MONDO:0003582. Disease mechanism: loss of function.
Breast-ovarian cancer, familial, susceptibility to, 2 (BROVCA2). Also called: BRCA2 Hereditary Breast and Ovarian Cancer. Identifiers: Orphanet 145, MedGen C2675520, MONDO:0012933, OMIM 612555. Disease mechanism: loss of function.

Allele frequency attached by ClinVar (database versions not stated): ExAC 0.00001; gnomAD 0.00001; TOPMed 0.00001.
gnomAD v4.1: 5 of 1,614,118 alleles (0.00031%); highest among the groups gnomAD compares: Non-Finnish European, 0.00025%; no homozygotes.

Submissions (8):

Evidence-based Network for the Interpretation of Germline Mutant Alleles (ENIGMA)
Classification: Likely benign for Breast-ovarian cancer, familial, susceptibility to, 2. Last evaluated: 2017-06-29. Review status: reviewed by expert panel. Criteria: ENIGMA BRCA1/2 Classification Criteria (2017-06-29). Collection method: curation. Allele origin: germline.
Comment: Synonymous substitution variant, with low bioinformatic likelihood to result in a splicing aberration (Splicing prior probability 0.02).

Labcorp Genetics (formerly Invitae), Labcorp
Classification: Likely benign for Hereditary breast ovarian cancer syndrome. Last evaluated: 2026-01-22. Review status: criteria provided, single submitter. Criteria: Invitae Variant Classification Sherloc (09022015). Collection method: clinical testing. Allele origin: germline. Not counted in ClinVar's aggregate classification.

Quest Diagnostics Nichols Institute San Juan Capistrano
Classification: Likely benign. Last evaluated: 2024-12-03. Review status: criteria provided, single submitter. Criteria: Quest Diagnostics criteria. Collection method: clinical testing. Allele origin: unknown. Not counted in ClinVar's aggregate classification.

All of Us Research Program, National Institutes of Health
Classification: Likely benign for BRCA2-related cancer predisposition. Last evaluated: 2024-08-06. Review status: criteria provided, single submitter. Criteria: ACMG Guidelines, 2015. Collection method: clinical testing. Allele origin: germline. Inheritance: Autosomal dominant inheritance. Observed: 5 variant alleles, 5 heterozygotes. Not counted in ClinVar's aggregate classification.
Comment: This study involves interpretation of variants in research participants for the purpose of population health screening. Participant phenotype was not available at the time of variant classification. Additional details can be found in publication PMID: 35346344, PMCID: PMC8962531

Women's Health and Genetics/Laboratory Corporation of America, LabCorp
Classification: Likely benign. Last evaluated: 2022-11-28. Review status: criteria provided, single submitter. Criteria: LabCorp Variant Classification Summary - May 2015. Collection method: clinical testing. Allele origin: germline. Not counted in ClinVar's aggregate classification.
Comment: Variant summary: BRCA2 c.7509C>G results in a synonymous change. 4/4 computational tools predict no significant impact on normal splicing. However, these predictions have yet to be confirmed by functional studies. The variant allele was found at a frequency of 4e-06 in 251422 control chromosomes. The available data on variant occurrences in the general population are insufficient to allow any conclusion about variant significance. c.7509C>G has been reported in the literature in individuals affected with Non-small cell Lung Carcinoma without strong evidence for causality (Deng_2021). This report dos not provide unequivocal conclusions about association of the variant with Hereditary Breast And Ovarian Cancer Syndrome. To our knowledge, no experimental evidence demonstrating an impact on protein function has been reported. Four clinical diagnostic laboratories have submitted clinical-significance assessments for this variant to ClinVar after 2014 without evidence for independent evaluation. All laboratories classified the variant as likely benign. Based on the evidence outlined above, the variant was classified as likely benign.

Color Diagnostics, LLC DBA Color Health
Classification: Likely benign for Hereditary cancer-predisposing syndrome. Last evaluated: 2019-04-17. Review status: criteria provided, single submitter. Criteria: ACMG Guidelines, 2015. Collection method: clinical testing. Allele origin: germline. Not counted in ClinVar's aggregate classification.

GeneDx
Classification: Likely benign. Last evaluated: 2016-08-08. Review status: criteria provided, single submitter. Criteria: GeneDx Variant Classification (06012015). Collection method: clinical testing. Allele origin: germline. Affected: yes. Not counted in ClinVar's aggregate classification.
Comment: This variant is considered likely benign or benign based on one or more of the following criteria: it is a conservative change, it occurs at a poorly conserved position in the protein, it is predicted to be benign by multiple in silico algorithms, and/or has population frequency not consistent with disease.

Ambry Genetics
Classification: Likely benign for Hereditary cancer-predisposing syndrome. Last evaluated: 2014-08-21. Review status: criteria provided, single submitter. Criteria: Ambry Variant Classification Scheme 2023. Collection method: clinical testing. Allele origin: germline. Not counted in ClinVar's aggregate classification.

Literature cited by the submitters: PubMed 34616674 (cited by Quest Diagnostics Nichols Institute San Juan Capistrano and Women's Health and Genetics/Laboratory Corporation of America, LabCorp).